The following is an entry in ClinVar:

ClinVar aggregate classification (germline): Benign. Review status: criteria provided, multiple submitters, no conflicts (2 of 4 stars). 11 submissions from 10 submitters: Benign (10). 1 of the submissions does not count toward it. Last evaluated 2026-02-04.

Conditions:
Usher syndrome type 2A. Also called: RETINAL DISEASE IN USHER SYNDROME TYPE IIA, MODIFIER OF; USHER SYNDROME, TYPE IIA. Identifiers: Orphanet 231178, Orphanet 886, MedGen C1848634, MONDO:0010169, OMIM 276901.
Retinitis pigmentosa 39 (RP39). Identifiers: Orphanet 791, MedGen C3151138, MONDO:0013436, OMIM 613809.

Allele frequency attached by ClinVar (database versions not stated): ExAC 0.00492; TOPMed 0.01574; 1000 Genomes Project 0.01757; ESP Exome Variant Server 0.01799; 1000 Genomes Project 30x 0.01858.
gnomAD v4.1: 4,416 of 1,614,096 alleles (0.27%); highest among the groups gnomAD compares: African/African-American, 5.2%; 113 homozygotes.

Submissions (11):

Labcorp Genetics (formerly Invitae), Labcorp
Classification: Benign. Last evaluated: 2026-02-04. Review status: criteria provided, single submitter. Criteria: Invitae Variant Classification Sherloc (09022015). Collection method: clinical testing. Allele origin: germline.

ARUP Laboratories, Molecular Genetics and Genomics, ARUP Laboratories
Classification: Benign. Last evaluated: 2023-11-06. Review status: criteria provided, single submitter. Criteria: ARUP Molecular Germline Variant Investigation Process 2024. Collection method: clinical testing. Allele origin: germline.

Genome-Nilou Lab
Classification: Benign for Retinitis pigmentosa 39. Last evaluated: 2023-11-04. Review status: criteria provided, single submitter. Criteria: ACMG Guidelines, 2015. Collection method: clinical testing. Allele origin: germline. Affected: no.

Genome-Nilou Lab
Classification: Benign for Usher syndrome type 2A. Last evaluated: 2023-11-04. Review status: criteria provided, single submitter. Criteria: ACMG Guidelines, 2015. Collection method: clinical testing. Allele origin: germline. Affected: no.

Women's Health and Genetics/Laboratory Corporation of America, LabCorp
Classification: Benign. Last evaluated: 2022-02-22. Review status: criteria provided, single submitter. Criteria: LabCorp Variant Classification Summary - May 2015. Collection method: clinical testing. Allele origin: germline.
Comment: Variant summary: USH2A c.15428G>A (p.Arg5143His) results in a non-conservative amino acid change in the encoded protein sequence. Three of five in-silico tools predict a damaging effect of the variant on protein function. The variant allele was found at a frequency of 0.0039 in 251468 control chromosomes (gnomAD), predominantly at a frequency of 0.054 within the African or African-American subpopulation in the gnomAD database, including 31 homozygotes. The observed variant frequency within African or African-American control individuals in the gnomAD database is approximately 4.87 fold of the estimated maximal expected allele frequency for a pathogenic variant in USH2A causing the Usher Syndrome phenotype (0.011), strongly suggesting that the variant is a benign polymorphism found primarily in populations of African or African-American origin. Six ClinVar submitters have assessed the variant since 2014: all have classified the variant as benign. Based on the evidence outlined above, the variant was classified as benign.

Athena Diagnostics
Classification: Benign. Last evaluated: 2019-07-17. Review status: criteria provided, single submitter. Criteria: Athena Diagnostics Criteria. Collection method: clinical testing. Allele origin: germline.

GeneDx
Classification: Benign. Last evaluated: 2019-01-16. Review status: criteria provided, single submitter. Criteria: GeneDx Variant Classification Process June 2021. Collection method: clinical testing. Allele origin: germline. Affected: yes.
Comment: This variant is associated with the following publications: (PMID: 27460420, 29024829)

Eurofins Ntd Llc (ga)
Classification: Benign. Last evaluated: 2018-03-20. Review status: criteria provided, single submitter. Criteria: EGL ClinVar v180209 classification definitions. Collection method: clinical testing. Allele origin: germline. Observed: 1 variant allele, 1 heterozygote.

Laboratory for Molecular Medicine, Mass General Brigham Personalized Medicine
Classification: Benign. Last evaluated: 2012-01-11. Review status: criteria provided, single submitter. Criteria: LMM Criteria. Collection method: clinical testing. Allele origin: germline. Observed: 15 variant alleles.
Comment: Arg5143His in exon 71 of USH2A: This variant has been reported in 2/80 individua ls with non-syndromic retinitis pigmentosa (McGee 2010); however, this variant i s not expected to have clinical significance because it has been identified in 5 .1% (188/3738) of African American control chromosomes by the NHBLI Exome sequen cing project (dbSNP rs111033435).

Breakthrough Genomics
Classification: Benign. Review status: criteria provided, single submitter. Criteria: ACMG Guidelines, 2015. Collection method: not provided. Allele origin: germline. Inheritance: Autosomal recessive inheritance. Affected: yes.

Natera, Inc.
Classification: Benign for Usher syndrome type 2A. Last evaluated: 2020-09-16. Review status: no assertion criteria provided. Collection method: clinical testing. Allele origin: germline. Not counted in ClinVar's aggregate classification.

Literature cited by the submitters: PubMed 20507924 (cited by Laboratory for Molecular Medicine, Mass General Brigham Personalized Medicine).

NM_206933.4(USH2A):c.15428G>A (p.Arg5143His)

Gene: USH2A (usherin; minus strand). Cytogenetic location: 1q41.
Variant type: single nucleotide variant.
Coding change: c.15428G>A on transcript NM_206933.4 (MANE Select); coding-DNA position 15428, G replaced by A.
Protein change: p.Arg5143His; replaces arginine 5143 with histidine.
Molecular consequence: missense variant.
Genome position (GRCh38, 1-based): chr1:215,628,905, C>T on the plus strand (G>A on the coding strand, the complement: USH2A is on the minus strand). VCF-style: chr1-215628905-C-T. GRCh37 (hg19) VCF-style: chr1-215802247-C-T.
Other names: p.R5143H:CGC>CAC; short protein forms R5143H.
Identifiers: ClinVar variation 48463 (VCV000048463.35), dbSNP rs111033435, ClinGen allele CA143399.